The following is an entry in ClinVar:

NM_003238.6(TGFB2):c.72C>G (p.Cys24Trp)

Gene: TGFB2 (transforming growth factor beta 2; plus strand). Cytogenetic location: 1q41.
Variant type: single nucleotide variant.
Coding change: c.72C>G on transcript NM_003238.6 (MANE Select); coding-DNA position 72, C replaced by G.
Protein change: p.Cys24Trp; replaces cysteine 24 with tryptophan.
Molecular consequence: missense variant. On other transcripts: non-coding transcript variant (2).
Genome position (GRCh38, 1-based): chr1:218,346,773, C>G. VCF-style: chr1-218346773-C-G. GRCh37 (hg19) VCF-style: chr1-218520115-C-G.
Other names: c.72C>G, p.Cys24Trp (NM_001135599.4); short protein forms C24W.
Identifiers: ClinVar variation 3633770 (VCV003633770.2).

ClinVar aggregate classification (germline): Uncertain significance (1 of 4 stars; one submission).

Conditions:
Loeys-Dietz syndrome 4 (LDS4). Also called: ANEURYSM, AORTIC AND CEREBRAL, WITH ARTERIAL TORTUOSITY AND SKELETAL MANIFESTATIONS; TGFB2-Related Loeys-Dietz Syndrome. Identifiers: MedGen C3553762, MONDO:0013897, OMIM 614816.

gnomAD v4.1: 1 of 1,614,078 alleles (0.000062%); highest among the groups gnomAD compares: African/African-American, 0.0013%; no homozygotes.

Submission:

Labcorp Genetics (formerly Invitae), Labcorp
Classification: Uncertain significance for Loeys-Dietz syndrome 4. Last evaluated: 2024-02-17. Review status: criteria provided, single submitter. Criteria: Invitae Variant Classification Sherloc (09022015). Collection method: clinical testing. Allele origin: germline.
Comment: This sequence change replaces cysteine, which is neutral and slightly polar, with tryptophan, which is neutral and slightly polar, at codon 24 of the TGFB2 protein (p.Cys24Trp). This variant is not present in population databases (gnomAD no frequency). This variant has not been reported in the literature in individuals affected with TGFB2-related conditions. Advanced modeling of protein sequence and biophysical properties (such as structural, functional, and spatial information, amino acid conservation, physicochemical variation, residue mobility, and thermodynamic stability) performed at Invitae indicates that this missense variant is expected to disrupt TGFB2 protein function with a positive predictive value of 95%. In summary, the available evidence is currently insufficient to determine the role of this variant in disease. Therefore, it has been classified as a Variant of Uncertain Significance.